The following is an entry in ClinVar:

ClinVar aggregate classification (germline): Uncertain significance (1 of 4 stars; one submission).

Conditions:
Dilated cardiomyopathy 1G (CMD1G). Identifiers: Orphanet 154, MedGen C1858763, MONDO:0011400, OMIM 604145.
Autosomal recessive limb-girdle muscular dystrophy type 2J (LGMDR10). Also called: Limb-girdle muscular dystrophy, type 2J; MUSCULAR DYSTROPHY, LIMB-GIRDLE, AUTOSOMAL RECESSIVE 10. Identifiers: Orphanet 140922, MedGen C1837342, MONDO:0012127, OMIM 608807.

Submission:

Labcorp Genetics (formerly Invitae), Labcorp
Classification: Uncertain significance for Dilated cardiomyopathy 1G; Autosomal recessive limb-girdle muscular dystrophy type 2J. Last evaluated: 2025-07-27. Review status: criteria provided, single submitter. Criteria: Invitae Variant Classification Sherloc (09022015). Collection method: clinical testing. Allele origin: germline.
Comment: This sequence change replaces serine, which is neutral and polar, with phenylalanine, which is neutral and non-polar, at codon 33649 of the TTN protein (p.Ser33649Phe). This variant is not present in population databases (gnomAD no frequency). This variant has not been reported in the literature in individuals affected with TTN-related conditions. Experimental studies and prediction algorithms are not available or were not evaluated, and the functional significance of this variant is currently unknown. This variant is located in the M band of TTN (PMID: 25589632). Non-truncating variants in this region may be relevant for neuromuscular disorders, but have not been definitively shown to cause cardiomyopathy (PMID: 23975875). In summary, the available evidence is currently insufficient to determine the role of this variant in disease. Therefore, it has been classified as a Variant of Uncertain Significance.

Literature cited by the submitters: PubMed 25589632; PubMed 23975875.

NM_001267550.2(TTN):c.100946C>T (p.Ser33649Phe)

Genes: TTN (titin; minus strand), TTN-AS1 (TTN antisense RNA 1; plus strand). Cytogenetic location: 2q31.2.
Variant type: single nucleotide variant.
Coding change: c.100946C>T on transcript NM_001267550.2 (MANE Select); coding-DNA position 100946, C replaced by T.
Protein change: p.Ser33649Phe; replaces serine 33649 with phenylalanine.
Molecular consequence: missense variant.
Genome position (GRCh38, 1-based): chr2:178,535,669, G>A on the plus strand (C>T on the coding strand, the complement: TTN is on the minus strand). VCF-style: chr2-178535669-G-A. GRCh37 (hg19) VCF-style: chr2-179400396-G-A.
Other names: c.96023C>T, p.Ser32008Phe (NM_001256850.1); c.73751C>T, p.Ser24584Phe (NM_003319.4); c.93242C>T, p.Ser31081Phe (NM_133378.4); c.74126C>T, p.Ser24709Phe (NM_133432.3); c.74327C>T, p.Ser24776Phe (NM_133437.4); short protein forms S24709F, S31081F, S24584F, S24776F, S32008F, S33649F.
Identifiers: ClinVar variation 4782421 (VCV004782421.1).
Genomic context (GRCh38, chr2:178,535,669, plus strand): 5'-ACCACATAGAAACCAGCATCTTTTCTCTCTACCCCATTGGGGAAAACAAGTGATGTGAAG[G>A]ATCTTGTGACAATAACTTGGTAGTGGCCATTATTGTCAATGAGATCTTGTCCTTTCTGCC-3'
Protein context (NP_001254479.2, residues 33639-33659): NGHYQVIVTR[Ser33649Phe]FTSLVFPNGV